The following is an entry in ClinVar:

ClinVar aggregate classification (germline): Likely benign. Review status: criteria provided, multiple submitters, no conflicts (2 of 4 stars). 2 submissions from 2 submitters: Likely benign (2). Last evaluated 2025-02-13.

Conditions:
Bethlem myopathy 1A. Also called: Bethlem Muscular Dystrophy; Bethlem myopathy 1; MYOPATHY, BENIGN CONGENITAL, WITH CONTRACTURES. Identifiers: Orphanet 610, MedGen CN029274, MONDO:0024530, OMIM 158810.

Allele frequency attached by ClinVar (database versions not stated): gnomAD 0.00002 and 0.00003; TOPMed 0.00003; ExAC 0.00008; 1000 Genomes Project 30x 0.00016; 1000 Genomes Project 0.00020.
gnomAD v4.1: 62 of 1,610,004 alleles (0.0039%); highest among the groups gnomAD compares: Middle Eastern, 0.018%; no homozygotes.

Submissions (2):

Labcorp Genetics (formerly Invitae), Labcorp
Classification: Likely benign for Bethlem myopathy 1A. Last evaluated: 2025-02-13. Review status: criteria provided, single submitter. Criteria: Invitae Variant Classification Sherloc (09022015). Collection method: clinical testing. Allele origin: germline.

GeneDx
Classification: Likely benign. Last evaluated: 2018-03-22. Review status: criteria provided, single submitter. Criteria: GeneDx Variant Classification (06012015). Collection method: clinical testing. Allele origin: germline. Affected: yes.
Comment: This variant is considered likely benign or benign based on one or more of the following criteria: it is a conservative change, it occurs at a poorly conserved position in the protein, it is predicted to be benign by multiple in silico algorithms, and/or has population frequency not consistent with disease.

NM_004369.4(COL6A3):c.8464+12G>A

Gene: COL6A3 (collagen type VI alpha 3 chain; minus strand). Cytogenetic location: 2q37.3.
Variant type: single nucleotide variant.
Coding change: c.8464+12G>A on transcript NM_004369.4 (MANE Select); 12 bases into the intron after coding-DNA position 8464, G replaced by A.
Molecular consequence: intron variant.
Genome position (GRCh38, 1-based): chr2:237,340,440, C>T on the plus strand (G>A on the coding strand, the complement: COL6A3 is on the minus strand). VCF-style: chr2-237340440-C-T. GRCh37 (hg19) VCF-style: chr2-238249083-C-T.
Other names: c.6643+12G>A (NM_057166.5); c.7846+12G>A (NM_057167.4).
Identifiers: ClinVar variation 681066 (VCV000681066.9), dbSNP rs199707923, ClinGen allele CA2187542.
Genomic context (GRCh38, chr2:237,340,440, plus strand): 5'-ACTGTTCCTACACTTCTCCTGGCCCGAGCATAAAGCCAGGCCAGGGCACATGCTGTGCCA[C>T]GCAGGACTTACTGCTGACGAAGGATGGCAACAGCCTCCCGAAGCGCATCAAAGGCTCCTC-3'